The following is an entry in ClinVar:

ClinVar aggregate classification (germline): Benign/Likely benign. Review status: criteria provided, multiple submitters, no conflicts (2 of 4 stars). 2 submissions from 2 submitters: Benign (1); Likely benign (1). Last evaluated 2025-03-19.

Conditions:
Juvenile polyposis/hereditary hemorrhagic telangiectasia syndrome (JPHT). Also called: JP/HHT SYNDROME; JUVENILE POLYPOSIS WITH HEREDITARY HEMORRHAGIC TELANGIECTASIA; POLYPOSIS, GENERALIZED JUVENILE, WITH PULMONARY ARTERIOVENOUS MALFORMATION; TELANGIECTASIA, HEREDITARY HEMORRHAGIC, WITH JUVENILE POLYPOSIS COLI; Juvenile Polyposis Syndrome / Hereditary Hemorrhagic Telangiectasia (JPS/HHT). Identifiers: Orphanet 2929, MedGen C1832942, MONDO:0008278, OMIM 175050.
Familial thoracic aortic aneurysm and aortic dissection (TAAD). Also called: Thoracic aortic aneurysms and dissections. Identifiers: Orphanet 91387, MedGen C4707243, MONDO:0019625.
Hereditary cancer-predisposing syndrome. Also called: Neoplastic Syndromes, Hereditary; Tumor predisposition; Hereditary neoplastic syndrome; Hereditary Cancer Syndrome. Identifiers: Orphanet 140162, MedGen C0027672, MeSH D009386, MONDO:0015356.

gnomAD v4.1: 1 of 1,613,934 alleles (0.000062%); highest among the groups gnomAD compares: South Asian, 0.0011%; no homozygotes.

Submissions (2):

Myriad Genetics, Inc.
Classification: Benign for Juvenile polyposis/hereditary hemorrhagic telangiectasia syndrome. Last evaluated: 2025-03-19. Review status: criteria provided, single submitter. Criteria: Myriad Autosomal Dominant, Autosomal Recessive and X-Linked Classification Criteria (2023). Collection method: clinical testing. Allele origin: unknown.
Comment: This variant is considered benign. This variant is a silent/synonymous amino acid change and it is not expected to impact splicing.

Ambry Genetics
Classification: Likely benign for Hereditary cancer-predisposing syndrome; Familial thoracic aortic aneurysm and aortic dissection. Last evaluated: 2024-10-07. Review status: criteria provided, single submitter. Criteria: Ambry Variant Classification Scheme 2023. Collection method: clinical testing. Allele origin: germline.

NM_005359.6(SMAD4):c.543C>T (p.Thr181=)

Gene: SMAD4 (SMAD family member 4; plus strand). Cytogenetic location: 18q21.2.
Variant type: single nucleotide variant.
Coding change: c.543C>T on transcript NM_005359.6 (MANE Select); coding-DNA position 543, C replaced by T.
Protein change: p.Thr181=; no amino-acid change (threonine 181 retained).
Molecular consequence: synonymous variant. On other transcripts: non-coding transcript variant (2).
Genome position (GRCh38, 1-based): chr18:51,054,869, C>T. VCF-style: chr18-51054869-C-T. GRCh37 (hg19) VCF-style: chr18-48581239-C-T.
Other names: c.543C>T, p.Thr181= (NM_001407041.1, NM_001407042.1, NM_001407043.1).
Identifiers: ClinVar variation 3445861 (VCV003445861.2).